The following is an entry in ClinVar:

ClinVar aggregate classification (germline): Conflicting classifications of pathogenicity. Review status: criteria provided, conflicting classifications (1 of 4 stars). 2 submissions from 2 submitters: Uncertain significance (1); Likely benign (1). Last evaluated 2024-06-22.

Conditions:
Inborn genetic diseases. Identifiers: MedGen C0950123, MeSH D030342.

Submissions (2):

Labcorp Genetics (formerly Invitae), Labcorp
Classification: Likely benign. Last evaluated: 2024-06-22. Review status: criteria provided, single submitter. Criteria: Invitae Variant Classification Sherloc (09022015). Collection method: clinical testing. Allele origin: germline.

Ambry Genetics
Classification: Uncertain significance for Inborn genetic diseases. Last evaluated: 2022-10-26. Review status: criteria provided, single submitter. Criteria: Ambry Variant Classification Scheme 2023. Collection method: clinical testing. Allele origin: germline.
Comment: The c.6535G>A (p.G2179R) alteration is located in exon 47 (coding exon 46) of the MTOR gene. This alteration results from a G to A substitution at nucleotide position 6535, causing the glycine (G) at amino acid position 2179 to be replaced by an arginine (R). This amino acid position is highly conserved in available vertebrate species. This alteration is predicted to be deleterious by in silico analysis. Based on insufficient or conflicting evidence, the clinical significance of this alteration remains unclear.

NM_004958.4(MTOR):c.6535G>A (p.Gly2179Arg)

Gene: MTOR (mechanistic target of rapamycin kinase; minus strand). Cytogenetic location: 1p36.22.
Variant type: single nucleotide variant.
Coding change: c.6535G>A on transcript NM_004958.4 (MANE Select); coding-DNA position 6535, G replaced by A.
Protein change: p.Gly2179Arg; replaces glycine 2179 with arginine.
Molecular consequence: missense variant.
Genome position (GRCh38, 1-based): chr1:11,124,625, C>T on the plus strand (G>A on the coding strand, the complement: MTOR is on the minus strand). VCF-style: chr1-11124625-C-T. GRCh37 (hg19) VCF-style: chr1-11184682-C-T.
Other names: c.6535G>A, p.Gly2179Arg (NM_001386500.1); c.5287G>A, p.Gly1763Arg (NM_001386501.1); c.6535G>A (NM_004958.3); short protein forms G1763R, G2179R.
Identifiers: ClinVar variation 1499480 (VCV001499480.7), dbSNP rs2100382837, ClinGen allele CA338388124.